The following is an entry in ClinVar:

NM_014967.5(FAN1):c.585C>G (p.Asn195Lys)

Gene: FAN1 (FANCD2 and FANCI associated nuclease 1; plus strand). Cytogenetic location: 15q13.3.
Variant type: single nucleotide variant.
Coding change: c.585C>G on transcript NM_014967.5 (MANE Select); coding-DNA position 585, C replaced by G.
Protein change: p.Asn195Lys; replaces asparagine 195 with lysine.
Molecular consequence: missense variant.
Genome position (GRCh38, 1-based): chr15:30,905,248, C>G. VCF-style: chr15-30905248-C-G. GRCh37 (hg19) VCF-style: chr15-31197451-C-G.
Other names: c.585C>G, p.Asn195Lys (NM_001146094.2, NM_001146095.1, NM_001146096.2); short protein forms N195K.
Identifiers: ClinVar variation 3061647 (VCV003061647.3), dbSNP rs768300893, ClinGen allele CA7450092.

ClinVar aggregate classification (germline): Uncertain significance. Review status: criteria provided, single submitter (1 of 4 stars). 2 submissions from 2 submitters: Uncertain significance (1). 1 of the submissions does not count toward it. Last evaluated 2024-05-23.

Conditions:
FAN1-related disorder. Also called: FAN1-related condition.
Karyomegalic interstitial nephritis. Identifiers: Orphanet 401996, MedGen C3553774, MONDO:0013898, OMIM 614817.

Allele frequency attached by ClinVar (database versions not stated): TOPMed 0.00002; ExAC 0.00003.
gnomAD v4.1: 11 of 1,613,930 alleles (0.00068%); highest among the groups gnomAD compares: Admixed American, 0.017%; no homozygotes.

Submissions (2):

Fulgent Genetics
Classification: Uncertain significance for Karyomegalic interstitial nephritis. Last evaluated: 2024-05-23. Review status: criteria provided, single submitter. Criteria: ACMG Guidelines, 2015. Collection method: clinical testing. Allele origin: germline.

PreventionGenetics, part of Exact Sciences
Classification: Uncertain significance for FAN1-related condition. Last evaluated: 2024-01-26. Review status: no assertion criteria provided. Collection method: clinical testing. Allele origin: germline. Not counted in ClinVar's aggregate classification.
Comment: The FAN1 c.585C>G variant is predicted to result in the amino acid substitution p.Asn195Lys. To our knowledge, this variant has not been reported in the literature. This variant is reported in 0.017% of alleles in individuals of Latino descent in gnomAD. At this time, the clinical significance of this variant is uncertain due to the absence of conclusive functional and genetic evidence.